The following is an entry in ClinVar:

NM_004369.4(COL6A3):c.3932A>G (p.Asn1311Ser)

Gene: COL6A3 (collagen type VI alpha 3 chain; minus strand). Cytogenetic location: 2q37.3.
Variant type: single nucleotide variant.
Coding change: c.3932A>G on transcript NM_004369.4 (MANE Select); coding-DNA position 3932, A replaced by G.
Protein change: p.Asn1311Ser; replaces asparagine 1311 with serine.
Molecular consequence: missense variant.
Genome position (GRCh38, 1-based): chr2:237,372,085, T>C on the plus strand (A>G on the coding strand, the complement: COL6A3 is on the minus strand). VCF-style: chr2-237372085-T-C. GRCh37 (hg19) VCF-style: chr2-238280728-T-C.
Other names: c.2711A>G, p.Asn904Ser (NM_057164.5); c.3314A>G, p.Asn1105Ser (NM_057165.5, NM_057167.4); c.2111A>G, p.Asn704Ser (NM_057166.5); short protein forms N1311S, N704S, N904S, N1105S.
Identifiers: ClinVar variation 542954 (VCV000542954.20), dbSNP rs200592625, ClinGen allele CA2189041.

ClinVar aggregate classification (germline): Conflicting classifications of pathogenicity. Review status: criteria provided, conflicting classifications (1 of 4 stars). 6 submissions from 6 submitters: Uncertain significance (5); Benign (1). Last evaluated 2025-10-08.

Conditions:
Collagen 6-related myopathy. Identifiers: MedGen CN117976, MONDO:0100225.
Bethlem myopathy 1A. Also called: MYOPATHY, BENIGN CONGENITAL, WITH CONTRACTURES; Bethlem Muscular Dystrophy; Bethlem myopathy 1. Identifiers: Orphanet 610, MedGen CN029274, MONDO:0024530, OMIM 158810.
Inborn genetic diseases. Identifiers: MedGen C0950123, MeSH D030342.

Allele frequency attached by ClinVar (database versions not stated): gnomAD exomes 0.00002 and 0.00006; TOPMed 0.00003; ESP Exome Variant Server 0.00008; gnomAD 0.00004 and 0.00005; ExAC 0.00005.
gnomAD v4.1: 40 of 1,613,934 alleles (0.0025%); highest among the groups gnomAD compares: Middle Eastern, 0.033%; no homozygotes.

Submissions (6):

Ambry Genetics
Classification: Uncertain significance for Inborn genetic diseases. Last evaluated: 2025-10-08. Review status: criteria provided, single submitter. Criteria: Ambry Variant Classification Scheme 2023. Collection method: clinical testing. Allele origin: germline.

Labcorp Genetics (formerly Invitae), Labcorp
Classification: Benign for Bethlem myopathy 1A. Last evaluated: 2025-04-23. Review status: criteria provided, single submitter. Criteria: Invitae Variant Classification Sherloc (09022015). Collection method: clinical testing. Allele origin: germline.

GeneDx
Classification: Uncertain significance. Last evaluated: 2019-12-16. Review status: criteria provided, single submitter. Criteria: GeneDx Variant Classification Process June 2021. Collection method: clinical testing. Allele origin: germline. Affected: yes.
Comment: In silico analysis, which includes protein predictors and evolutionary conservation, supports that this variant does not alter protein structure/function; Has not been previously published as pathogenic or benign to our knowledge

Illumina Laboratory Services, Illumina
Classification: Uncertain significance for Collagen VI-related myopathy. Last evaluated: 2018-01-13. Review status: criteria provided, single submitter. Criteria: ICSL Variant Classification Criteria 13 December 2019. Collection method: clinical testing. Allele origin: germline.

Eurofins Ntd Llc (ga)
Classification: Uncertain significance. Last evaluated: 2017-11-28. Review status: criteria provided, single submitter. Criteria: EGL Classification Definitions 2015. Collection method: clinical testing. Allele origin: germline. Observed: 2 variant alleles, 2 heterozygotes.

Breakthrough Genomics
Classification: Uncertain significance. Review status: criteria provided, single submitter. Criteria: ACMG Guidelines, 2015. Collection method: not provided. Allele origin: germline. Inheritance: Autosomal recessive inheritance. Affected: yes.